The following is an entry in ClinVar:

ClinVar aggregate classification (germline): Uncertain significance. Review status: criteria provided, multiple submitters, no conflicts (2 of 4 stars). 2 submissions from 2 submitters: Uncertain significance (2). Last evaluated 2024-10-24.

Allele frequency attached by ClinVar (database versions not stated): gnomAD exomes below 0.00001; gnomAD 0.00001; TOPMed 0.00001.
gnomAD v4.1: 2 of 1,614,118 alleles (0.00012%); highest among the groups gnomAD compares: African/African-American, 0.0013%; no homozygotes.

Submissions (2):

Labcorp Genetics (formerly Invitae), Labcorp
Classification: Uncertain significance. Last evaluated: 2024-10-24. Review status: criteria provided, single submitter. Criteria: Invitae Variant Classification Sherloc (09022015). Collection method: clinical testing. Allele origin: germline.
Comment: This sequence change replaces leucine, which is neutral and non-polar, with phenylalanine, which is neutral and non-polar, at codon 666 of the PCARE protein (p.Leu666Phe). This variant is not present in population databases (gnomAD no frequency). This variant has not been reported in the literature in individuals affected with PCARE-related conditions. ClinVar contains an entry for this variant (Variation ID: 1061744). An algorithm developed to predict the effect of missense changes on protein structure and function outputs the following: PolyPhen-2: "Possibly Damaging". The phenylalanine amino acid residue is found in multiple mammalian species, which suggests that this missense change does not adversely affect protein function. In summary, the available evidence is currently insufficient to determine the role of this variant in disease. Therefore, it has been classified as a Variant of Uncertain Significance.

Breakthrough Genomics
Classification: Uncertain significance. Review status: criteria provided, single submitter. Criteria: ACMG Guidelines, 2015. Collection method: not provided. Allele origin: germline. Inheritance: Unknown mechanism. Affected: yes.

NM_001029883.3(PCARE):c.1996C>T (p.Leu666Phe)

Gene: PCARE (photoreceptor cilium actin regulator; minus strand). Cytogenetic location: 2p23.2.
Variant type: single nucleotide variant.
Coding change: c.1996C>T on transcript NM_001029883.3 (MANE Select); coding-DNA position 1996, C replaced by T.
Protein change: p.Leu666Phe; replaces leucine 666 with phenylalanine.
Molecular consequence: missense variant.
Genome position (GRCh38, 1-based): chr2:29,072,266, G>A on the plus strand (C>T on the coding strand, the complement: PCARE is on the minus strand). VCF-style: chr2-29072266-G-A. GRCh37 (hg19) VCF-style: chr2-29295132-G-A.
Other names: short protein forms L666F.
Identifiers: ClinVar variation 1061744 (VCV001061744.10), dbSNP rs1252982808, ClinGen allele CA346478468.
Genomic context (GRCh38, chr2:29,072,266, plus strand): 5'-GCAAGATGCTCTTGTCCTGACTAGGCAAAATACTGAAGTTCTTGGTGAGGGATGCCTTGA[G>A]CCTGCTGGTGGTGTTGCTTGGACTGACCCTGCAGGTGCCATTGGGCCACACGGCGGCTGC-3'
Protein context (NP_001025054.1, residues 656-676): RVSPSNTTSR[Leu666Phe]KASLTKNFSI